The following is an entry in ClinVar:

NM_130810.4(DNAAF4):c.868C>T (p.Pro290Ser)

Genes: DNAAF4-CCPG1 (DNAAF4-CCPG1 readthrough (NMD candidate); minus strand), DNAAF4 (dynein axonemal assembly factor 4; minus strand). Cytogenetic location: 15q21.3.
Variant type: single nucleotide variant.
Coding change: c.868C>T on transcript NM_130810.4 (MANE Select); coding-DNA position 868, C replaced by T.
Protein change: p.Pro290Ser; replaces proline 290 with serine.
Molecular consequence: missense variant. On other transcripts: non-coding transcript variant (1).
Genome position (GRCh38, 1-based): chr15:55,439,497, G>A on the plus strand (C>T on the coding strand, the complement: DNAAF4 is on the minus strand). VCF-style: chr15-55439497-G-A. GRCh37 (hg19) VCF-style: chr15-55731695-G-A.
Other names: c.868C>T, p.Pro290Ser (NM_001033559.3, NM_001033560.2); short protein forms P290S.
Identifiers: ClinVar variation 855808 (VCV000855808.8), dbSNP rs745751273, ClinGen allele CA7574903.

ClinVar aggregate classification (germline): Uncertain significance. Review status: criteria provided, multiple submitters, no conflicts (2 of 4 stars). 2 submissions from 2 submitters: Uncertain significance (2). Last evaluated 2025-06-23.

Conditions:
Inborn genetic diseases. Identifiers: MedGen C0950123, MeSH D030342.

Allele frequency attached by ClinVar (database versions not stated): gnomAD 0.00001; ExAC 0.00005; TOPMed 0.00006; gnomAD exomes 0.00010.
gnomAD v4.1: 28 of 1,613,806 alleles (0.0017%); highest among the groups gnomAD compares: Admixed American, 0.047%; no homozygotes.

Submissions (2):

Ambry Genetics
Classification: Uncertain significance for Inborn genetic diseases. Last evaluated: 2025-06-23. Review status: criteria provided, single submitter. Criteria: Ambry Variant Classification Scheme 2023. Collection method: clinical testing. Allele origin: germline.

Labcorp Genetics (formerly Invitae), Labcorp
Classification: Uncertain significance. Last evaluated: 2022-07-27. Review status: criteria provided, single submitter. Criteria: Invitae Variant Classification Sherloc (09022015). Collection method: clinical testing. Allele origin: germline.
Comment: This sequence change replaces proline, which is neutral and non-polar, with serine, which is neutral and polar, at codon 290 of the DNAAF4 protein (p.Pro290Ser). This variant is present in population databases (rs745751273, gnomAD 0.07%). This variant has not been reported in the literature in individuals affected with DNAAF4-related conditions. ClinVar contains an entry for this variant (Variation ID: 855808). Algorithms developed to predict the effect of missense changes on protein structure and function (SIFT, PolyPhen-2, Align-GVGD) all suggest that this variant is likely to be disruptive. In summary, the available evidence is currently insufficient to determine the role of this variant in disease. Therefore, it has been classified as a Variant of Uncertain Significance.